The following is an entry in ClinVar:

NC_000018.9:g.(?_44137309)_(44140518_?)del

Gene: LOXHD1 (lipoxygenase homology PLAT domains 1; minus strand). Cytogenetic location: 18q21.1.
Variant type: Deletion.
Identifiers: ClinVar variation 1459520 (VCV001459520.6).

ClinVar aggregate classification (germline): Pathogenic (1 of 4 stars; one submission).

Submission:

Labcorp Genetics (formerly Invitae), Labcorp
Classification: Pathogenic. Last evaluated: 2021-02-10. Review status: criteria provided, single submitter. Criteria: Invitae Variant Classification Sherloc (09022015). Collection method: clinical testing. Allele origin: germline.
Comment: For these reasons, this variant has been classified as Pathogenic. This variant has not been reported in the literature in individuals with LOXHD1-related conditions. This variant is a gross deletion of the genomic region encompassing exon(s) 19-21 of the LOXHD1 gene. This deletion is out-of-frame, and is expected to create a premature translational stop signal and result in an absent or disrupted protein product. Loss-of-function variants in LOXHD1 are known to be pathogenic (PMID: 19732867, 21465660, 25792669).

Literature cited by the submitters: PubMed 19732867; PubMed 21465660; PubMed 25792669.